The following is an entry in ClinVar:

NM_004738.5(VAPB):c.700G>A (p.Val234Ile)

Gene: VAPB (VAMP associated protein B and C; plus strand). Cytogenetic location: 20q13.32.
Variant type: single nucleotide variant.
Coding change: c.700G>A on transcript NM_004738.5 (MANE Select); coding-DNA position 700, G replaced by A.
Protein change: p.Val234Ile; replaces valine 234 with isoleucine.
Molecular consequence: missense variant. On other transcripts: 3 prime UTR variant (1), non-coding transcript variant (1).
Genome position (GRCh38, 1-based): chr20:58,444,203, G>A. VCF-style: chr20-58444203-G-A. GRCh37 (hg19) VCF-style: chr20-57019259-G-A.
Other names: c.*38G>A (NM_001195677.2); short protein forms V234I.
Identifiers: ClinVar variation 1756676 (VCV001756676.9), dbSNP rs149215094, ClinGen allele CA9924331.

ClinVar aggregate classification (germline): Conflicting classifications of pathogenicity. Review status: criteria provided, conflicting classifications (1 of 4 stars). 3 submissions from 3 submitters: Uncertain significance (2); Likely benign (1). Last evaluated 2025-09-15.

Conditions:
Inborn genetic diseases. Identifiers: MedGen C0950123, MeSH D030342.
VAPB-related disorder. Also called: VAPB-related condition.
Adult-onset proximal spinal muscular atrophy, autosomal dominant. Also called: Spinal muscular atrophy, late-onset, finkel type; FINKEL LATE-ADULT TYPE SMA. Identifiers: Orphanet 209335, MedGen C1854058, MONDO:0008453, OMIM 182980.
Amyotrophic lateral sclerosis type 8 (ALS8). Identifiers: Orphanet 803, MedGen C1837728, MONDO:0012077, OMIM 608627.

Allele frequency attached by ClinVar (database versions not stated): gnomAD exomes 0.00003; gnomAD 0.00004; TOPMed 0.00005; ExAC 0.00007; ESP Exome Variant Server 0.00008.
gnomAD v4.1: 56 of 1,614,088 alleles (0.0035%); highest among the groups gnomAD compares: Admixed American, 0.0033%; no homozygotes.

Submissions (3):

Labcorp Genetics (formerly Invitae), Labcorp
Classification: Uncertain significance for Adult-onset proximal spinal muscular atrophy, autosomal dominant; Amyotrophic lateral sclerosis type 8. Last evaluated: 2025-09-15. Review status: criteria provided, single submitter. Criteria: Invitae Variant Classification Sherloc (09022015). Collection method: clinical testing. Allele origin: germline.
Comment: This sequence change replaces valine, which is neutral and non-polar, with isoleucine, which is neutral and non-polar, at codon 234 of the VAPB protein (p.Val234Ile). This variant is present in population databases (rs149215094, gnomAD 0.01%). This missense change has been observed in individual(s) with VAPB-related conditions (PMID: 22878164). ClinVar contains an entry for this variant (Variation ID: 1756676). Invitae Evidence Modeling of protein sequence and biophysical properties (such as structural, functional, and spatial information, amino acid conservation, physicochemical variation, residue mobility, and thermodynamic stability) indicates that this missense variant is not expected to disrupt VAPB protein function with a negative predictive value of 80%. Experimental studies have shown that this missense change affects VAPB function (PMID: 24326187, 24792378). In summary, the available evidence is currently insufficient to determine the role of this variant in disease. Therefore, it has been classified as a Variant of Uncertain Significance.

PreventionGenetics, part of Exact Sciences
Classification: Uncertain significance for VAPB-related condition. Last evaluated: 2024-11-19. Review status: criteria provided, single submitter. Criteria: ACMG Guidelines, 2015. Collection method: clinical testing. Allele origin: germline.
Comment: The VAPB c.700G>A variant is predicted to result in the amino acid substitution p.Val234Ile. This variant has been reported in individuals with amyotrophic lateral sclerosis (ALS), including one who also harbored a C9orf72 repeat expansion (van Blitterswijk et al. 2012. PubMed ID: 22878164; patient 460 in Table S14, Chen et al. 2021. PubMed ID: 34544842). Functional studies suggested that this variant has increased wild type activity and localizes differently than the wild type protein (Sanhueza et al. 2014. PubMed ID: 24326187; Chattopadhyay et al. 2014. PubMed ID: 24792378). This variant is reported in 0.012% of alleles in individuals of European (Finnish) descent in gnomAD. At this time, the clinical significance of this variant is uncertain due to the absence of conclusive functional and genetic evidence.

Ambry Genetics
Classification: Likely benign for Inborn genetic diseases. Last evaluated: 2020-02-27. Review status: criteria provided, single submitter. Criteria: Ambry Variant Classification Scheme 2023. Collection method: clinical testing. Allele origin: germline.

Literature cited by the submitters: PubMed 22878164 (cited by Labcorp Genetics (formerly Invitae), Labcorp); PubMed 24326187 (cited by Labcorp Genetics (formerly Invitae), Labcorp); PubMed 24792378 (cited by Labcorp Genetics (formerly Invitae), Labcorp).